The following is an entry in ClinVar:

ClinVar aggregate classification (germline): Uncertain significance (1 of 4 stars; one submission).

Conditions:
Inborn genetic diseases. Identifiers: MedGen C0950123, MeSH D030342.

Submission:

Ambry Genetics
Classification: Uncertain significance for Inborn genetic diseases. Last evaluated: 2026-06-26. Review status: criteria provided, single submitter. Criteria: Ambry Variant Classification Scheme 2023. Collection method: clinical testing. Allele origin: germline.
Comment: The p.M277I variant (also known as c.831G>A), located in coding exon 7 of the PAX5 gene, results from a G to A substitution at nucleotide position 831. The methionine at codon 277 is replaced by isoleucine, an amino acid with highly similar properties. This amino acid position is conserved. In addition, this alteration is predicted to be deleterious by in silico analysis. Based on the available evidence, the clinical significance of this variant remains unclear.

NM_016734.3(PAX5):c.831G>A (p.Met277Ile)

Gene: PAX5 (paired box 5; minus strand). Cytogenetic location: 9p13.2.
Variant type: single nucleotide variant.
Coding change: c.831G>A on transcript NM_016734.3 (MANE Select); coding-DNA position 831, G replaced by A.
Protein change: p.Met277Ile; replaces methionine 277 with isoleucine.
Molecular consequence: missense variant. On other transcripts: intron variant (2).
Genome position (GRCh38, 1-based): chr9:36,923,434, C>T on the plus strand (G>A on the coding strand, the complement: PAX5 is on the minus strand). VCF-style: chr9-36923434-C-T. GRCh37 (hg19) VCF-style: chr9-36923431-C-T.
Other names: c.831G>A, p.Met277Ile (NM_001280547.2, NM_001280548.2, NM_001280552.2); c.507G>A, p.Met169Ile (NM_001280551.2, NM_001280556.2); c.702G>A, p.Met234Ile (NM_001280553.2, NM_001280554.2); c.633G>A, p.Met211Ile (NM_001280555.2); c.780+43115G>A (NM_001280550.2, NM_001280549.2); short protein forms M211I, M277I, M169I, M234I.
Identifiers: ClinVar variation 5026290 (VCV005026290.1).